The following is an entry in ClinVar:

ClinVar aggregate classification (germline): Pathogenic. Review status: criteria provided, single submitter (1 of 4 stars). 2 submissions from 2 submitters: Pathogenic (1). 1 of the submissions does not count toward it. Last evaluated 2024-04-03.

Conditions:
Metaphyseal chondrodysplasia, McKusick type (CHH). Also called: Cartilage-Hair Hypoplasia (CHH); Cartilage-hair hypoplasia. Identifiers: Orphanet 175, MedGen C0220748, MONDO:0009595, OMIM 250250.
Anauxetic dysplasia. Identifiers: Orphanet 93347, MedGen C1846796, MONDO:0011773.

Allele frequency attached by ClinVar (database versions not stated): gnomAD 0.00001; gnomAD exomes 0.00001.

Submissions (2):

Labcorp Genetics (formerly Invitae), Labcorp
Classification: Pathogenic for Anauxetic dysplasia. Last evaluated: 2024-04-03. Review status: criteria provided, single submitter. Criteria: Invitae Variant Classification Sherloc (09022015). Collection method: clinical testing. Allele origin: germline.
Comment: This variant occurs in the RMRP gene, which encodes an RNA molecule that does not result in a protein product. This variant is present in population databases (no rsID available, gnomAD 0.002%). While this particular variant has not been reported in the literature, it is located in the promoter region between the TATA box and the transcription initiation site, and other insertions and duplications immediately upstream of the coding sequence have been reported in individuals affected with cartilage-hair hypoplasia-anauxetic dysplasia (CHH-AD) spectrum disorders (PMID: 16244706, 11207361, 12107819). While functional studies for this variant have not been reported, experimental analyses using patient derived cells, as well as in vitro transfection studies, have shown that promoter insertions result in silencing of RMRP transcription and reduced expression of the gene product (PMID: 11207361, 16254002). For these reasons, this variant has been classified as Pathogenic.

Counsyl
Classification: Likely pathogenic for Metaphyseal chondrodysplasia, McKusick type. Last evaluated: 2017-06-16. Review status: no assertion criteria provided. Collection method: clinical testing. Allele origin: unknown. Not counted in ClinVar's aggregate classification.

Literature cited by the submitters: PubMed 16244706 (cited by Labcorp Genetics (formerly Invitae), Labcorp); PubMed 11207361 (cited by Labcorp Genetics (formerly Invitae), Labcorp and Counsyl); PubMed 12107819 (cited by Labcorp Genetics (formerly Invitae), Labcorp); PubMed 16254002 (cited by Labcorp Genetics (formerly Invitae), Labcorp and Counsyl); PubMed 17937437 (cited by Counsyl); PubMed 14608646 (cited by Counsyl).

NC_000009.12:g.35658026_35658043dup

Gene: RMRP (RNA component of mitochondrial RNA processing endoribonuclease; minus strand). Cytogenetic location: 9p13.3.
Variant type: Duplication.
Genome position: GRCh38 VCF-style: chr9-35658025-T-TCAGCTTCACAGAGTAGTA. GRCh37 (hg19) VCF-style: chr9-35658022-T-TCAGCTTCACAGAGTAGTA.
Identifiers: ClinVar variation 551985 (VCV000551985.5), dbSNP rs1554651473, ClinGen allele CA587570214.